The following is an entry in ClinVar:

NM_019892.6(INPP5E):c.1452C>T (p.Gly484=)

Gene: INPP5E (inositol polyphosphate-5-phosphatase E; minus strand). Cytogenetic location: 9q34.3.
Variant type: single nucleotide variant.
Coding change: c.1452C>T on transcript NM_019892.6 (MANE Select); coding-DNA position 1452, C replaced by T.
Protein change: p.Gly484=; no amino-acid change (glycine 484 retained).
Molecular consequence: synonymous variant.
Genome position (GRCh38, 1-based): chr9:136,431,921, G>A on the plus strand (C>T on the coding strand, the complement: INPP5E is on the minus strand). VCF-style: chr9-136431921-G-A. GRCh37 (hg19) VCF-style: chr9-139326373-G-A.
Other names: c.1452C>T (NM_019892.5); c.1449C>T, p.Gly483= (NM_001318502.2).
Identifiers: ClinVar variation 934834 (VCV000934834.10), dbSNP rs371729050, ClinGen allele CA5336791.

ClinVar aggregate classification (germline): Likely benign. Review status: criteria provided, single submitter (1 of 4 stars). 2 submissions from 2 submitters: Likely benign (1). 1 of the submissions does not count toward it. Last evaluated 2025-09-02.

Conditions:
INPP5E-related disorder. Also called: INPP5E-related condition.
Joubert syndrome. Also called: Familial aplasia of the vermis; CEREBELLOPARENCHYMAL DISORDER IV; JOUBERT-BOLTSHAUSER SYNDROME. Identifiers: Orphanet 475, MedGen C5979921, MONDO:0018772.

Allele frequency attached by ClinVar (database versions not stated): gnomAD 0.00001 and 0.00002; gnomAD exomes 0.00001; ExAC 0.00003; TOPMed 0.00005; ESP Exome Variant Server 0.00008; 1000 Genomes Project 0.00020; 1000 Genomes Project 30x 0.00031.
gnomAD v4.1: 18 of 1,611,686 alleles (0.0011%); highest among the groups gnomAD compares: Admixed American, 0.0083%; no homozygotes.

Submissions (2):

Labcorp Genetics (formerly Invitae), Labcorp
Classification: Likely benign for Joubert syndrome. Last evaluated: 2025-09-02. Review status: criteria provided, single submitter. Criteria: Invitae Variant Classification Sherloc (09022015). Collection method: clinical testing. Allele origin: germline.

PreventionGenetics, part of Exact Sciences
Classification: Likely benign for INPP5E-related condition. Last evaluated: 2021-07-01. Review status: no assertion criteria provided. Collection method: clinical testing. Allele origin: germline. Not counted in ClinVar's aggregate classification.
Comment: This variant is classified as likely benign based on ACMG/AMP sequence variant interpretation guidelines (Richards et al. 2015 PMID: 25741868, with internal and published modifications).